The following is an entry in ClinVar:

ClinVar aggregate classification (germline): Uncertain significance. Review status: criteria provided, multiple submitters, no conflicts (2 of 4 stars). 9 submissions from 9 submitters: Uncertain significance (6). 3 of the submissions do not count toward it. Last evaluated 2025-12-21.

Conditions:
PMS2-related disorder. Also called: PMS2-related condition.
Hereditary nonpolyposis colorectal neoplasms. Identifiers: MedGen C0009405, MeSH D003123.
Hereditary cancer-predisposing syndrome. Also called: Tumor predisposition; Hereditary neoplastic syndrome; Neoplastic Syndromes, Hereditary; Hereditary Cancer Syndrome. Identifiers: Orphanet 140162, MedGen C0027672, MeSH D009386, MONDO:0015356.
Lynch syndrome. Identifiers: Orphanet 144, MedGen C4552100, MONDO:0005835. Disease mechanism: loss of function.
Lynch syndrome 4 (LYNCH4). Also called: Colorectal cancer, hereditary nonpolyposis, type 4; Hereditary non-polyposis colorectal cancer, type 4. Identifiers: Orphanet 144, MedGen C1838333, MONDO:0013699, OMIM 614337. Disease mechanism: loss of function.

Allele frequency attached by ClinVar (database versions not stated): gnomAD exomes below 0.00001 and 0.00001.

Submissions (9):

Labcorp Genetics (formerly Invitae), Labcorp
Classification: Uncertain significance for Hereditary nonpolyposis colorectal neoplasms. Last evaluated: 2025-12-21. Review status: criteria provided, single submitter. Criteria: Invitae Variant Classification Sherloc (09022015). Collection method: clinical testing. Allele origin: germline.
Comment: This sequence change replaces isoleucine, which is neutral and non-polar, with valine, which is neutral and non-polar, at codon 273 of the PMS2 protein (p.Ile273Val). This variant is present in population databases (rs587778621, gnomAD 0.003%). This missense change has been observed in individual(s) with breast cancer (PMID: 35449176). ClinVar contains an entry for this variant (Variation ID: 135072). Invitae Evidence Modeling incorporating data from in vitro experimental studies (internal data) indicates that this missense variant is not expected to disrupt PMS2 function with a negative predictive value of 95%. In summary, the available evidence is currently insufficient to determine the role of this variant in disease. Therefore, it has been classified as a Variant of Uncertain Significance.

Ambry Genetics
Classification: Uncertain significance for Hereditary cancer-predisposing syndrome. Last evaluated: 2025-01-06. Review status: criteria provided, single submitter. Criteria: Ambry Variant Classification Scheme 2023. Collection method: clinical testing. Allele origin: germline.
Comment: The p.I273V variant (also known as c.817A>G), located in coding exon 8 of the PMS2 gene, results from an A to G substitution at nucleotide position 817. The isoleucine at codon 273 is replaced by valine, an amino acid with highly similar properties. This amino acid position is not well conserved in available vertebrate species. In addition, this alteration is predicted to be tolerated by in silico analysis. Based on the available evidence, the clinical significance of this variant remains unclear.

All of Us Research Program, National Institutes of Health
Classification: Uncertain significance for Lynch syndrome. Last evaluated: 2024-08-23. Review status: criteria provided, single submitter. Criteria: ACMG Guidelines, 2015. Collection method: clinical testing. Allele origin: germline. Inheritance: Autosomal dominant inheritance. Observed: 1 variant allele, 1 heterozygote.
Comment: This missense variant replaces isoleucine with valine at codon 273 of the PMS2 protein. Computational prediction suggests that this variant may not impact protein structure and function (internally defined REVEL score threshold <= 0.5, PMID: 27666373). To our knowledge, functional studies have not been reported for this variant. This variant has not been reported in individuals affected with PMS2-related disorders in the literature. This variant has been identified in 1/251410 chromosomes in the general population by the Genome Aggregation Database (gnomAD). The available evidence is insufficient to determine the role of this variant in disease conclusively. Therefore, this variant is classified as a Variant of Uncertain Significance.

This study involves interpretation of variants in research participants for the purpose of population health screening. Participant phenotype was not available at the time of variant classification. Additional details can be found in publication PMID: 35346344, PMCID: PMC8962531

Color Diagnostics, LLC DBA Color Health
Classification: Uncertain significance for Hereditary cancer-predisposing syndrome. Last evaluated: 2024-08-13. Review status: criteria provided, single submitter. Criteria: ACMG Guidelines, 2015. Collection method: clinical testing. Allele origin: germline.
Comment: This missense variant replaces isoleucine with valine at codon 273 of the PMS2 protein. Computational prediction suggests that this variant may not impact protein structure and function (internally defined REVEL score threshold <= 0.5, PMID: 27666373). To our knowledge, functional studies have not been reported for this variant. This variant has not been reported in individuals affected with PMS2-related disorders in the literature. This variant has been identified in 1/251410 chromosomes in the general population by the Genome Aggregation Database (gnomAD). The available evidence is insufficient to determine the role of this variant in disease conclusively. Therefore, this variant is classified as a Variant of Uncertain Significance.

Baylor Genetics
Classification: Uncertain significance for Lynch syndrome 4. Last evaluated: 2023-06-06. Review status: criteria provided, single submitter. Criteria: ACMG Guidelines, 2015. Collection method: clinical testing. Allele origin: unknown.

Department of Pathology and Laboratory Medicine, Sinai Health System
Classification: Uncertain significance for Lynch syndrome. Last evaluated: 2022-01-10. Review status: criteria provided, single submitter. Criteria: ACMG Guidelines, 2015. Collection method: clinical testing. Allele origin: germline. Affected: yes.

PreventionGenetics, part of Exact Sciences
Classification: Uncertain significance for PMS2-related condition. Last evaluated: 2024-02-28. Review status: no assertion criteria provided. Collection method: clinical testing. Allele origin: germline. Not counted in ClinVar's aggregate classification.
Comment: The PMS2 c.817A>G variant is predicted to result in the amino acid substitution p.Ile273Val. This variant has been reported in a cohort study of breast cancer (Hu et al. 2022. PubMed ID: 35449176. Supplementary data 1). This variant is reported in 0.0033% of alleles in individuals of South Asian descent in gnomAD. At this time, the clinical significance of this variant is uncertain due to the absence of conclusive functional and genetic evidence.

Zotz-Klimas Genetics Lab, MVZ Zotz Klimas
Classification: Uncertain significance for Lynch syndrome 4. Last evaluated: 2023-10-09. Review status: no assertion criteria provided. Collection method: clinical testing. Allele origin: germline. Affected: yes. Not counted in ClinVar's aggregate classification.

ITMI
No classification provided. Condition: AllHighlyPenetrant. Last evaluated: 2013-09-19. Review status: no classification provided. Collection method: reference population. Allele origin: germline. Not counted in ClinVar's aggregate classification.
Comment: Please see associated publication for description of ethnicities

Literature cited by the submitters: PubMed 35449176 (cited by Labcorp Genetics (formerly Invitae), Labcorp); PubMed 24728327 (cited by ITMI).

NM_000535.7(PMS2):c.817A>G (p.Ile273Val)

Gene: PMS2 (PMS1 homolog 2, mismatch repair system component; minus strand). Cytogenetic location: 7p22.1.
Variant type: single nucleotide variant.
Coding change: c.817A>G on transcript NM_000535.7 (MANE Select); coding-DNA position 817, A replaced by G.
Protein change: p.Ile273Val; replaces isoleucine 273 with valine.
Molecular consequence: missense variant. On other transcripts: 5 prime UTR variant (2), non-coding transcript variant (1).
Genome position (GRCh38, 1-based): chr7:5,995,620, T>C on the plus strand (A>G on the coding strand, the complement: PMS2 is on the minus strand). VCF-style: chr7-5995620-T-C. GRCh37 (hg19) VCF-style: chr7-6035251-T-C.
Other names: c.412A>G, p.Ile138Val (NM_001322003.2, NM_001322004.2, NM_001322005.2 and 2 more transcripts); c.817A>G, p.Ile273Val (NM_001322006.2, NM_001322014.2); c.499A>G, p.Ile167Val (NM_001322007.2, NM_001322008.2); c.-117A>G (NM_001322011.2, NM_001322012.2); c.244A>G, p.Ile82Val (NM_001322013.2); c.508A>G, p.Ile170Val (NM_001322015.2); short protein forms I273V, I167V, I138V, I170V, I82V.
Identifiers: ClinVar variation 135072 (VCV000135072.23), dbSNP rs587778621, ClinGen allele CA012919.